The following is an entry in ClinVar:

ClinVar aggregate classification (germline): Uncertain significance. Review status: criteria provided, multiple submitters, no conflicts (2 of 4 stars). 2 submissions from 2 submitters: Uncertain significance (2). Last evaluated 2025-01-29.

Conditions:
Inborn genetic diseases. Identifiers: MedGen C0950123, MeSH D030342.

Allele frequency attached by ClinVar (database versions not stated): gnomAD exomes below 0.00001; gnomAD 0.00001.
gnomAD v4.1: 2 of 1,592,280 alleles (0.00013%); highest among the groups gnomAD compares: Admixed American, 0.0017%; no homozygotes.

Submissions (2):

Ambry Genetics
Classification: Uncertain significance for Inborn genetic diseases. Last evaluated: 2025-01-29. Review status: criteria provided, single submitter. Criteria: Ambry Variant Classification Scheme 2023. Collection method: clinical testing. Allele origin: germline.

Labcorp Genetics (formerly Invitae), Labcorp
Classification: Uncertain significance. Last evaluated: 2021-12-18. Review status: criteria provided, single submitter. Criteria: Invitae Variant Classification Sherloc (09022015). Collection method: clinical testing. Allele origin: germline.
Comment: In summary, the available evidence is currently insufficient to determine the role of this variant in disease. Therefore, it has been classified as a Variant of Uncertain Significance. Algorithms developed to predict the effect of missense changes on protein structure and function are either unavailable or do not agree on the potential impact of this missense change (SIFT: "Tolerated"; PolyPhen-2: "Probably Damaging"; Align-GVGD: "Class C0"). This variant has not been reported in the literature in individuals affected with SKIV2L-related conditions. This variant is not present in population databases (gnomAD no frequency). This sequence change replaces threonine, which is neutral and polar, with asparagine, which is neutral and polar, at codon 1245 of the SKIV2L protein (p.Thr1245Asn).

NM_006929.5(SKIC2):c.3734C>A (p.Thr1245Asn)

Gene: SKIC2 (SKI2 subunit of superkiller complex; plus strand). Cytogenetic location: 6p21.33.
Variant type: single nucleotide variant.
Coding change: c.3734C>A on transcript NM_006929.5 (MANE Select); coding-DNA position 3734, C replaced by A.
Protein change: p.Thr1245Asn; replaces threonine 1245 with asparagine.
Molecular consequence: missense variant.
Genome position (GRCh38, 1-based): chr6:31,969,708, C>A. VCF-style: chr6-31969708-C-A. GRCh37 (hg19) VCF-style: chr6-31937485-C-A.
Other names: c.3734C>A (NM_006929.4); short protein forms T1245N.
Identifiers: ClinVar variation 2046507 (VCV002046507.5), dbSNP rs1303923072, ClinGen allele CA363492628.